The following is an entry in ClinVar:

ClinVar aggregate classification (germline): Uncertain significance (1 of 4 stars; one submission).

Allele frequency attached by ClinVar (database versions not stated): gnomAD exomes below 0.00001; TOPMed 0.00001.
gnomAD v4.1: 6 of 1,614,012 alleles (0.00037%); highest among the groups gnomAD compares: East Asian, 0.013%; no homozygotes.

Submission:

Ambry Genetics
Classification: Uncertain significance. Last evaluated: 2022-02-12. Review status: criteria provided, single submitter. Criteria: Ambry Variant Classification Scheme 2023. Collection method: clinical testing. Allele origin: germline.
Comment: The p.Q399R variant (also known as c.1196A>G), located in coding exon 12 of the PRKDC gene, results from an A to G substitution at nucleotide position 1196. The glutamine at codon 399 is replaced by arginine, an amino acid with highly similar properties. This amino acid position is conserved. In addition, this alteration is predicted to be tolerated by in silico analysis. Since supporting evidence is limited at this time, the clinical significance of this alteration remains unclear.

NM_006904.7(PRKDC):c.1196A>G (p.Gln399Arg)

Gene: PRKDC (protein kinase, DNA-activated, catalytic subunit; minus strand). Cytogenetic location: 8q11.21.
Variant type: single nucleotide variant.
Coding change: c.1196A>G on transcript NM_006904.7 (MANE Select); coding-DNA position 1196, A replaced by G.
Protein change: p.Gln399Arg; replaces glutamine 399 with arginine.
Molecular consequence: missense variant.
Genome position (GRCh38, 1-based): chr8:47,936,435, T>C on the plus strand (A>G on the coding strand, the complement: PRKDC is on the minus strand). VCF-style: chr8-47936435-T-C. GRCh37 (hg19) VCF-style: chr8-48848995-T-C.
Other names: c.1196A>G, p.Gln399Arg (NM_001081640.2); short protein forms Q399R.
Identifiers: ClinVar variation 1746007 (VCV001746007.2), dbSNP rs937475913, ClinGen allele CA176166644.